The following is an entry in ClinVar:

NM_181836.6(TMED7):c.505C>T (p.Arg169Cys)

Genes: TICAM2-AS1 (TICAM2 antisense RNA 1; plus strand), TMED7 (transmembrane p24 trafficking protein 7; minus strand), TMED7-TICAM2 (TMED7-TICAM2 readthrough; minus strand). Cytogenetic location: 5q22.3.
Variant type: single nucleotide variant.
Coding change: c.505C>T on transcript NM_181836.6 (MANE Select); coding-DNA position 505, C replaced by T.
Protein change: p.Arg169Cys; replaces arginine 169 with cysteine.
Molecular consequence: missense variant.
Genome position (GRCh38, 1-based): chr5:115,616,379, G>A on the plus strand (C>T on the coding strand, the complement: TMED7 is on the minus strand). VCF-style: chr5-115616379-G-A. GRCh37 (hg19) VCF-style: chr5-114952076-G-A.
Other names: c.505C>T, p.Arg169Cys (NM_001164468.4, NM_001164469.4); short protein forms R169C.
Identifiers: ClinVar variation 4777012 (VCV004777012.1).

ClinVar aggregate classification (germline): Uncertain significance (1 of 4 stars; one submission).

gnomAD v4.1: 2 of 1,614,152 alleles (0.00012%); highest among the groups gnomAD compares: Non-Finnish European, 0.00017%; no homozygotes.

Submission:

Labcorp Genetics (formerly Invitae), Labcorp
Classification: Uncertain significance. Last evaluated: 2025-09-14. Review status: criteria provided, single submitter. Criteria: Invitae Variant Classification Sherloc (09022015). Collection method: clinical testing. Allele origin: germline.
Comment: This sequence change replaces arginine, which is basic and polar, with cysteine, which is neutral and slightly polar, at codon 169 of the TMED7 protein (p.Arg169Cys). This variant is not present in population databases (gnomAD no frequency). This variant has not been reported in the literature in individuals affected with TMED7-related conditions. An algorithm developed to predict the effect of missense changes on protein structure and function (PolyPhen-2) suggests that this variant is likely to be disruptive. In summary, the available evidence is currently insufficient to determine the role of this variant in disease. Therefore, it has been classified as a Variant of Uncertain Significance.